The following is an entry in ClinVar:

NM_001282597.3(CTNNA2):c.2591C>A (p.Ser864Ter)

Gene: CTNNA2 (catenin alpha 2; plus strand). Cytogenetic location: 2p12.
Variant type: single nucleotide variant.
Coding change: c.2591C>A on transcript NM_001282597.3 (MANE Select); coding-DNA position 2591, C replaced by A.
Protein change: p.Ser864Ter; replaces serine 864 with a stop codon.
Molecular consequence: nonsense.
Genome position (GRCh38, 1-based): chr2:80,647,601, C>A. VCF-style: chr2-80647601-C-A. GRCh37 (hg19) VCF-style: chr2-80874726-C-A.
Other names: c.2312C>A, p.Ser771Ter (NM_001164883.2); c.2549C>A, p.Ser850Ter (NM_001282598.2); c.1484C>A, p.Ser495Ter (NM_001282599.2); c.1343C>A, p.Ser448Ter (NM_001282600.2); c.1487C>A, p.Ser496Ter (NM_001320810.2); c.2447C>A, p.Ser816Ter (NM_001399737.1, NM_004389.4); short protein forms S448*, S495*, S496*, S771*, S816*, S850*, S864*.
Identifiers: ClinVar variation 4975461 (VCV004975461.1).

ClinVar aggregate classification (germline): Uncertain significance (1 of 4 stars; one submission).

Submission:

GeneDx
Classification: Uncertain significance. Last evaluated: 2026-01-22. Review status: criteria provided, single submitter. Criteria: GeneDx Variant Classification Process June 2021. Collection method: clinical testing. Allele origin: germline.
Comment: Not observed at significant frequency in large population cohorts (gnomAD); Has not been previously published as pathogenic or benign to our knowledge; Nonsense variant predicted to result in protein truncation as the last 90 amino acid(s) are lost with an unclear effect on protein function